The following is an entry in ClinVar:

ClinVar aggregate classification (germline): Uncertain significance (1 of 4 stars; one submission).

Conditions:
Child syndrome. Also called: CHILD (Congenital Hemidysplasia with Ichthyosiform Nevus and Limb Defects) Syndrome. Identifiers: Orphanet 139, MedGen C0265267, MONDO:0010621, OMIM 308050.

Submissions (2):

Molecular Genetics, Royal Melbourne Hospital
Classification: Uncertain significance for Child syndrome. Last evaluated: 2024-03-01. Review status: criteria provided, single submitter. Criteria: ACMG Guidelines, 2015. Collection method: clinical testing. Allele origin: germline. Inheritance: X-linked dominant inheritance. Affected: yes.
Comment: This sequence change in NSDHL occurs within the canonical splice donor site of intron 4. It is predicted to cause skipping of biologically relevant exon 4/8, resulting in an in-frame deletion (removes amino acids 90-138) that is expected to escape nonsense-mediated decay and remove <10% of the protein. This variant is absent from the population database gnomAD v4.0. To our knowledge, this variant is novel and has not been previously reported in the relevant scientific literature or databases. Based on the classification scheme RMH Modified ACMG/AMP Guidelines v1.6.1, this variant is classified as a VARIANT OF UNCERTAIN SIGNIFICANCE. Following criteria are met: PVS1_Strong, PM2_Supporting.

Dr. Peter K. Rogan Lab, Western University
No classification provided (evidence only). Condition: Thyroid cancer, nonmedullary, 1. Review status: no classification provided. Collection method: in vitro. Allele origin: not applicable. Functional consequence: skipped exon. Not counted in ClinVar's aggregate classification.

NM_015922.3(NSDHL):c.414+2T>C

Gene: NSDHL (NAD(P) dependent 3-beta-hydroxysteroid dehydrogenase NSDHL; plus strand). Cytogenetic location: Xq28.
Variant type: single nucleotide variant.
Coding change: c.414+2T>C on transcript NM_015922.3 (MANE Select); the canonical splice donor site of the intron after coding-DNA position 414, T replaced by C.
Molecular consequence: splice donor variant.
Genome position (GRCh38, 1-based): chrX:152,858,918, T>C. VCF-style: chrX-152858918-T-C. GRCh37 (hg19) VCF-style: chrX-152027462-T-C.
Other names: NC_000023.10:g.152027462T>C; c.414+2T>C (NM_001129765.2).
Identifiers: ClinVar variation 3068656 (VCV003068656.2), dbSNP rs2521790231, ClinGen allele CA415285094.
Genomic context (GRCh38, chrX:152,858,918, plus strand): 5'-GAGTGAATTACATTGGCACCAAGAATGTCATTGAAACTTGCAAAGAGGCTGGGGTTCAGG[T>C]AAGGGGAAGGCTGGAGTGAGTGCTGTCAGGAGCACGTGATGGCCCTTTCTAAGGGTGCAA-3'